The following is an entry in ClinVar:

NM_000334.4(SCN4A):c.536G>A (p.Arg179Gln)

Gene: SCN4A (sodium voltage-gated channel alpha subunit 4; minus strand). Cytogenetic location: 17q23.3.
Variant type: single nucleotide variant.
Coding change: c.536G>A on transcript NM_000334.4 (MANE Select); coding-DNA position 536, G replaced by A.
Protein change: p.Arg179Gln; replaces arginine 179 with glutamine.
Molecular consequence: missense variant.
Genome position (GRCh38, 1-based): chr17:63,971,797, C>T on the plus strand (G>A on the coding strand, the complement: SCN4A is on the minus strand). VCF-style: chr17-63971797-C-T. GRCh37 (hg19) VCF-style: chr17-62049157-C-T.
Other names: short protein forms R179Q.
Identifiers: ClinVar variation 1525847 (VCV001525847.8), dbSNP rs777130479, ClinGen allele CA8710122.

ClinVar aggregate classification (germline): Uncertain significance. Review status: criteria provided, multiple submitters, no conflicts (2 of 4 stars). 3 submissions from 3 submitters: Uncertain significance (3). Last evaluated 2024-11-11.

Conditions:
Hyperkalemic periodic paralysis. Also called: Familial hyperkalemic periodic paralysis; Gamstorp disease. Identifiers: Orphanet 682, MedGen C0238357, MONDO:0008224, OMIM 170500, HP:0007215.
Paramyotonia congenita of Von Eulenburg. Also called: PARALYSIS PERIODICA PARAMYOTONICA; Paramyotonia Congenita; Eulenburg disease; Myotonia congenita intermittens; Von Eulenburg paramyotonia congenita. Identifiers: Orphanet 684, MedGen C0221055, MONDO:0008195, OMIM 168300. Disease mechanism: loss of function.
Hypokalemic periodic paralysis, type 1. Also called: HypoPP; Hypokalemic Periodic Paralysis Type 1 (AD). Identifiers: Orphanet 681, MedGen C3714580, MONDO:0042979, OMIM 170400.
Hypokalemic periodic paralysis, type 2 (HOKPP2). Identifiers: Orphanet 681, MedGen C2750061, MONDO:0013234, OMIM 613345.
Potassium-aggravated myotonia. Also called: MYOTONIA CONGENITA, ACETAZOLAMIDE-RESPONSIVE; MYOTONIA CONGENITA, ATYPICAL; SODIUM CHANNEL MUSCLE DISEASE; Myotonia congenita, atypical, acetazolamide-responsive. Identifiers: Orphanet 612, Orphanet 99734, Orphanet 99735, Orphanet 99736, MedGen C2931826, MONDO:0018959, OMIM 608390.
Congenital myasthenic syndrome 16. Identifiers: Orphanet 590, MedGen C3280112, MONDO:0013620, OMIM 614198.

Allele frequency attached by ClinVar (database versions not stated): ExAC 0.00002; gnomAD exomes 0.00001 and 0.00002; TOPMed 0.00001.
gnomAD v4.1: 27 of 1,613,456 alleles (0.0017%); highest among the groups gnomAD compares: Admixed American, 0.0033%; no homozygotes.

Submissions (3):

Labcorp Genetics (formerly Invitae), Labcorp
Classification: Uncertain significance for Hyperkalemic periodic paralysis. Last evaluated: 2024-11-11. Review status: criteria provided, single submitter. Criteria: Invitae Variant Classification Sherloc (09022015). Collection method: clinical testing. Allele origin: germline.
Comment: This sequence change replaces arginine, which is basic and polar, with glutamine, which is neutral and polar, at codon 179 of the SCN4A protein (p.Arg179Gln). This variant is present in population databases (rs777130479, gnomAD 0.007%). This variant has not been reported in the literature in individuals affected with SCN4A-related conditions. ClinVar contains an entry for this variant (Variation ID: 1525847). Invitae Evidence Modeling of protein sequence and biophysical properties (such as structural, functional, and spatial information, amino acid conservation, physicochemical variation, residue mobility, and thermodynamic stability) indicates that this missense variant is expected to disrupt SCN4A protein function with a positive predictive value of 80%. Experimental studies have shown that this missense change does not substantially affect SCN4A function (PMID: 29605429). In summary, the available evidence is currently insufficient to determine the role of this variant in disease. Therefore, it has been classified as a Variant of Uncertain Significance.

GeneDx
Classification: Uncertain significance. Last evaluated: 2023-03-17. Review status: criteria provided, single submitter. Criteria: GeneDx Variant Classification Process June 2021. Collection method: clinical testing. Allele origin: germline. Affected: yes.
Comment: Observed in unaffected individuals in published literature (Mnnikk et al., 2018); Not observed at significant frequency in large population cohorts (gnomAD); In silico analysis supports that this missense variant has a deleterious effect on protein structure/function; This variant is associated with the following publications: (PMID: 29605429)

Fulgent Genetics
Classification: Uncertain significance for Paramyotonia congenita of Von Eulenburg; Hypokalemic periodic paralysis, type 1; Hyperkalemic periodic paralysis; Potassium-aggravated myotonia; Hypokalemic periodic paralysis, type 2; Congenital myasthenic syndrome 16. Last evaluated: 2022-04-21. Review status: criteria provided, single submitter. Criteria: ACMG Guidelines, 2015. Collection method: clinical testing. Allele origin: unknown.

Literature cited by the submitters: PubMed 29605429 (cited by Labcorp Genetics (formerly Invitae), Labcorp).